The following is an entry in ClinVar:

NM_000017.4(ACADS):c.523G>A (p.Asp175Asn)

Gene: ACADS (acyl-CoA dehydrogenase short chain; plus strand). Cytogenetic location: 12q24.31.
Variant type: single nucleotide variant.
Coding change: c.523G>A on transcript NM_000017.4 (MANE Select); coding-DNA position 523, G replaced by A.
Protein change: p.Asp175Asn; replaces aspartic acid 175 with asparagine.
Molecular consequence: missense variant. On other transcripts: intron variant (1).
Genome position (GRCh38, 1-based): chr12:120,737,887, G>A. VCF-style: chr12-120737887-G-A. GRCh37 (hg19) VCF-style: chr12-121175690-G-A.
Other names: p.Asp175Asn; c.473-162G>A (NM_001302554.2); short protein forms D175N.
Identifiers: ClinVar variation 3380124 (VCV003380124.1).
Genomic context (GRCh38, chr12:120,737,887, plus strand): 5'-GTGTGGGCAGGGAACGGCAGTGATGCAGGAGCTGCGTCCACCACCGCCCGGGCCGAGGGC[G>A]ACTCATGGGTTCTGAATGGAACCAAAGCCTGGATCACCAATGCCTGGGAGGCTTCGGCTG-3'
Protein context (NP_000008.1, residues 165-185): AASTTARAEG[Asp175Asn]SWVLNGTKAW

ClinVar aggregate classification (germline): Uncertain significance (1 of 4 stars; one submission).

gnomAD v4.1: 62 of 1,613,996 alleles (0.0038%); highest among the groups gnomAD compares: African/African-American, 0.0067%; no homozygotes.

Submission:

Mayo Clinic Laboratories, Mayo Clinic
Classification: Uncertain significance. Last evaluated: 2023-07-17. Review status: criteria provided, single submitter. Criteria: ACMG Guidelines, 2015. Collection method: clinical testing. Allele origin: germline. Observed: 1 variant allele.
Comment: PM2_moderate